The following is an entry in ClinVar:

ClinVar aggregate classification (germline): Likely benign (3 of 4 stars; one submission).

Conditions:
Open-angle glaucoma. Identifiers: MedGen C0017612, MONDO:0005338, HP:0012108.

Allele frequency attached by ClinVar (database versions not stated): gnomAD 0.00001.
gnomAD v4.1: 2 of 1,614,074 alleles (0.00012%); highest among the groups gnomAD compares: African/African-American, 0.0027%; no homozygotes.

Submission:

ClinGen Glaucoma Variant Curation Expert Panel
Classification: Likely benign for Open-angle glaucoma. Last evaluated: 2026-02-18. Review status: reviewed by expert panel. Criteria: ClinGen Glaucoma ACMG Specifications V2.0.0 Approved. Collection method: curation. Allele origin: germline. Inheritance: Autosomal dominant inheritance.
Comment: The c.1452G>A variant in MYOC is a synonymous variant (p.Lys484=). This variant was identified in controls in a North Indian study (PMID: 39998747). The gnomAD (v4.1.0) database did not well represent the genetic ancestry group from which the variant has been reported (South Asian). Thus PM2_Supporting was not applied to this variant. The SpliceAI score = 0.01, which met the ≤ 0.1 threshold for BP4, suggesting that the variant does not impact MYOC function. This synonymous variant meets BP4, so BP7 is met. There was no functional evidence predicting a damaging or benign impact of this variant on MYOC function. Although probands with juvenile open angle glaucoma have been reported carrying this variant, PM2_Supporting was not met, therefore PS4 did not apply. In summary, this variant met the criteria to receive a score of -2 and to be classified as likely benign (likely benign classification range -2 to -6, adapted from PMID: 32720330) for juvenile open angle glaucoma based on the ACMG/AMP criteria met, as specified by the ClinGen Glaucoma VCEP (v2.0.0, 5 Dec 2024): BP4, BP7

NM_000261.2(MYOC):c.1452G>A (p.Lys484=)

Gene: MYOC (myocilin; minus strand). Cytogenetic location: 1q24.3.
Variant type: single nucleotide variant.
Coding change: c.1452G>A on transcript NM_000261.2 (MANE Select); coding-DNA position 1452, G replaced by A.
Protein change: p.Lys484=; no amino-acid change (lysine 484 retained).
Molecular consequence: synonymous variant.
Genome position (GRCh38, 1-based): chr1:171,635,988, C>T on the plus strand (G>A on the coding strand, the complement: MYOC is on the minus strand). VCF-style: chr1-171635988-C-T. GRCh37 (hg19) VCF-style: chr1-171605128-C-T.
Other names: NM_000261.2:c.1452G>A.
Identifiers: ClinVar variation 2429763 (VCV002429763.2), dbSNP rs1378048690, ClinGen allele CA421938581.
Genomic context (GRCh38, chr1:171,635,988, plus strand): 5'-CATCTTGGAGAGCTTGATGTCATAAGTGACCATGTTCAAGTTGTCCCAGGCAAAGAGCTT[C>T]TTCTCCAGGGGGTTGTAGTCAATCATGCTGCTGTACTTATAGCGGTTCTTGAATGGGATG-3'
Protein context (NP_000252.1, residues 474-494): SSMIDYNPLE[Lys484=]KLFAWDNLNM